The following is an entry in ClinVar:

ClinVar aggregate classification (germline): Uncertain significance (1 of 4 stars; one submission).

Conditions:
Neurodevelopmental disorder with microcephaly, seizures, and cortical atrophy. Identifiers: MedGen C4540493, MONDO:0060621, OMIM 617802.

Submission:

Kasturba Medical College, Manipal, Kasturba Medical College, Manipal, Manipal Academy of Higher Education, Manipal, India
Classification: Uncertain significance for Neurodevelopmental disorder with microcephaly, seizures, and cortical atrophy. Review status: criteria provided, single submitter. Criteria: ACMG Guidelines, 2015. Collection method: research. Allele origin: paternal. Inheritance: Autosomal recessive inheritance. Affected: yes. Observed: 1 heterozygote.
Comment: This variant is observed in one individual in heterozygous state and absent in homozygous state in our in-house data of 3801 exomes. This variant is not observed in homozygous and/or heterozygous state in gnomAD database (v4.1.0). In-silico prediction tools (CADD_phred, REVEL) are consistent in predicting the variant to be damaging to VARS1 protein function.

NM_006295.3(VARS1):c.3232A>G (p.Arg1078Gly)

Gene: VARS1 (valyl-tRNA synthetase 1; minus strand). Cytogenetic location: 6p21.33.
Variant type: single nucleotide variant.
Coding change: c.3232A>G on transcript NM_006295.3 (MANE Select); coding-DNA position 3232, A replaced by G.
Protein change: p.Arg1078Gly; replaces arginine 1078 with glycine.
Molecular consequence: missense variant.
Genome position (GRCh38, 1-based): chr6:31,779,664, T>C on the plus strand (A>G on the coding strand, the complement: VARS1 is on the minus strand). VCF-style: chr6-31779664-T-C. GRCh37 (hg19) VCF-style: chr6-31747441-T-C.
Other names: short protein forms R1078G.
Identifiers: ClinVar variation 4280653 (VCV004280653.1).